The following is an entry in ClinVar:

NM_013335.4(GMPPA):c.214G>A (p.Ala72Thr)

Genes: ASIC4-AS1 (ASIC4 antisense RNA 1; minus strand), GMPPA (GDP-mannose pyrophosphorylase A; plus strand). Cytogenetic location: 2q35.
Variant type: single nucleotide variant.
Coding change: c.214G>A on transcript NM_013335.4 (MANE Select); coding-DNA position 214, G replaced by A.
Protein change: p.Ala72Thr; replaces alanine 72 with threonine.
Molecular consequence: missense variant.
Genome position (GRCh38, 1-based): chr2:219,501,551, G>A. VCF-style: chr2-219501551-G-A. GRCh37 (hg19) VCF-style: chr2-220366273-G-A.
Other names: p.Ala72Thr; c.214G>A, p.Ala72Thr (NM_001374294.1, NM_001374295.1, NM_205847.3); short protein forms A72T.
Identifiers: ClinVar variation 786493 (VCV000786493.12), dbSNP rs112693024, ClinGen allele CA2128063.
Genomic context (GRCh38, chr2:219,501,551, plus strand): 5'-GAGATTCTGCTCATTGGCTTCTACCAACCTGATGAGCCCCTCACCCAGTTCCTAGAAGCC[G>A]CCCAGCAGGAGTTTAACCTTCCAGTCAGGTGTTTGTGCACACACTCGTATATGGGGGGGT-3'
Protein context (NP_037467.2, residues 62-82): DEPLTQFLEA[Ala72Thr]QQEFNLPVRY

ClinVar aggregate classification (germline): Conflicting classifications of pathogenicity. Review status: criteria provided, conflicting classifications (1 of 4 stars). 2 submissions from 2 submitters: Uncertain significance (1); Likely benign (1). Last evaluated 2025-06-13.

Conditions:
Alacrima, achalasia, and impaired intellectual development syndrome. Also called: Alacrima, achalasia, and mental retardation syndrome; Alacrima, achalasia, and intellectual disability syndrome. Identifiers: Orphanet 869, MedGen C4706563, MONDO:0014219, OMIM 615510.

Allele frequency attached by ClinVar (database versions not stated): 1000 Genomes Project 30x 0.00031; gnomAD 0.00118 and 0.00105; gnomAD exomes 0.00023; 1000 Genomes Project 0.00040; ExAC 0.00027; TOPMed 0.00126; ESP Exome Variant Server 0.00138.
gnomAD v4.1: 350 of 1,611,242 alleles (0.022%); highest among the groups gnomAD compares: African/African-American, 0.35%; no homozygotes.

Submissions (2):

Labcorp Genetics (formerly Invitae), Labcorp
Classification: Likely benign for Alacrima, achalasia, and impaired intellectual development syndrome. Last evaluated: 2025-06-13. Review status: criteria provided, single submitter. Criteria: Invitae Variant Classification Sherloc (09022015). Collection method: clinical testing. Allele origin: germline.

Mayo Clinic Laboratories, Mayo Clinic
Classification: Uncertain significance. Last evaluated: 2022-04-28. Review status: criteria provided, single submitter. Criteria: ACMG Guidelines, 2015. Collection method: clinical testing. Allele origin: germline. Observed: 1 variant allele.
Comment: BP4